The following is an entry in ClinVar:

ClinVar aggregate classification (germline): Conflicting classifications of pathogenicity. Review status: criteria provided, conflicting classifications (1 of 4 stars). 4 submissions from 4 submitters: Uncertain significance (3); Likely benign (1). Last evaluated 2024-11-07.

Conditions:
Hereditary cancer-predisposing syndrome. Also called: Neoplastic Syndromes, Hereditary; Hereditary neoplastic syndrome; Tumor predisposition; Hereditary Cancer Syndrome. Identifiers: Orphanet 140162, MedGen C0027672, MeSH D009386, MONDO:0015356.
Ataxia-telangiectasia syndrome (AT). Also called: Ataxia telangiectasia (A-T); Cerebello-oculocutaneous telangiectasia; Immunodeficiency with ataxia telangiectasia; LOUIS-BAR SYNDROME; AT, COMPLEMENTATION GROUP C; ATAXIA-TELANGIECTASIA, FRESNO VARIANT. Identifiers: Orphanet 100, MedGen C0004135, MONDO:0008840, OMIM 208900.
Familial cancer of breast. Also called: hereditary breast carcinoma; Hereditary breast cancer; BREAST CANCER, FAMILIAL. Identifiers: Orphanet 227535, MedGen C0346153, MONDO:0016419, OMIM 114480. Disease mechanism: loss of function.

gnomAD v4.1: 1 of 1,614,216 alleles (0.000062%); highest among the groups gnomAD compares: Non-Finnish European, 0.000085%; no homozygotes.

Submissions (4):

Ambry Genetics
Classification: Likely benign for Hereditary cancer-predisposing syndrome. Last evaluated: 2024-11-07. Review status: criteria provided, single submitter. Criteria: Ambry Variant Classification Scheme 2023. Collection method: clinical testing. Allele origin: germline.

Color Diagnostics, LLC DBA Color Health
Classification: Uncertain significance for Hereditary cancer-predisposing syndrome. Last evaluated: 2024-03-06. Review status: criteria provided, single submitter. Criteria: ACMG Guidelines, 2015. Collection method: clinical testing. Allele origin: germline.
Comment: This missense variant replaces aspartic acid with histidine at codon 2987 of the ATM protein. Computational prediction suggests that this variant may not impact protein structure and function (internally defined REVEL score threshold <= 0.5, PMID: 27666373). To our knowledge, functional studies have not been reported for this variant. This variant has not been reported in individuals affected with hereditary cancer in the literature. This variant has not been identified in the general population by the Genome Aggregation Database (gnomAD). The available evidence is insufficient to determine the role of this variant in disease conclusively. Therefore, this variant is classified as a Variant of Uncertain Significance.

Baylor Genetics
Classification: Uncertain significance for Familial cancer of breast. Last evaluated: 2023-08-11. Review status: criteria provided, single submitter. Criteria: ACMG Guidelines, 2015. Collection method: clinical testing. Allele origin: unknown.

Labcorp Genetics (formerly Invitae), Labcorp
Classification: Uncertain significance for Ataxia-telangiectasia syndrome. Last evaluated: 2022-09-13. Review status: criteria provided, single submitter. Criteria: Invitae Variant Classification Sherloc (09022015). Collection method: clinical testing. Allele origin: germline.
Comment: ClinVar contains an entry for this variant (Variation ID: 216236). Algorithms developed to predict the effect of missense changes on protein structure and function are either unavailable or do not agree on the potential impact of this missense change (SIFT: "Tolerated"; PolyPhen-2: "Possibly Damaging"; Align-GVGD: "Class C0"). In summary, the available evidence is currently insufficient to determine the role of this variant in disease. Therefore, it has been classified as a Variant of Uncertain Significance. This variant has not been reported in the literature in individuals affected with ATM-related conditions. This sequence change replaces aspartic acid, which is acidic and polar, with histidine, which is basic and polar, at codon 2987 of the ATM protein (p.Asp2987His). This variant is not present in population databases (gnomAD no frequency).

NM_000051.4(ATM):c.8959G>C (p.Asp2987His)

Genes: ATM (ATM serine/threonine kinase; plus strand), C11orf65 (chromosome 11 open reading frame 65; minus strand). Cytogenetic location: 11q22.3.
Variant type: single nucleotide variant.
Coding change: c.8959G>C on transcript NM_000051.4 (MANE Select); coding-DNA position 8959, G replaced by C.
Protein change: p.Asp2987His; replaces aspartic acid 2987 with histidine.
Molecular consequence: missense variant. On other transcripts: intron variant (2).
Genome position (GRCh38, 1-based): chr11:108,365,190, G>C. VCF-style: chr11-108365190-G-C. GRCh37 (hg19) VCF-style: chr11-108235917-G-C.
Other names: c.8959G>C, p.Asp2987His (NM_001351834.2); c.640+20730C>G (NM_001330368.2); c.694+20730C>G (NM_001351110.2); short protein forms D2987H.
Identifiers: ClinVar variation 216236 (VCV000216236.16), dbSNP rs863224582, ClinGen allele CA338090.
Genomic context (GRCh38, chr11:108,365,190, plus strand): 5'-GCTTTGTATTTACAGCAGAGGCCGGAAGATGAAACTGAGCTTCACCCTACTCTGAATGCA[G>C]ATGACCAAGAATGCAAACGAAATCTCAGGTGAGCAGTATTTTAAGAAGGTCCTGTTGTCA-3'
Protein context (NP_000042.3, residues 2977-2997): ETELHPTLNA[Asp2987His]DQECKRNLSD